The following is an entry in ClinVar:

ClinVar aggregate classification (germline): Uncertain significance (1 of 4 stars; one submission).

Submission:

Labcorp Genetics (formerly Invitae), Labcorp
Classification: Uncertain significance. Last evaluated: 2022-12-23. Review status: criteria provided, single submitter. Criteria: Invitae Variant Classification Sherloc (09022015). Collection method: clinical testing. Allele origin: germline.
Comment: In summary, the available evidence is currently insufficient to determine the role of this variant in disease. Therefore, it has been classified as a Variant of Uncertain Significance. Algorithms developed to predict the effect of missense changes on protein structure and function are either unavailable or do not agree on the potential impact of this missense change (SIFT: "Not Available"; PolyPhen-2: "Benign"; Align-GVGD: "Not Available"). This variant has not been reported in the literature in individuals affected with OPA1-related conditions. Information on the frequency of this variant in the gnomAD database is not available, as this variant may be reported differently in the database. This sequence change replaces serine, which is neutral and polar, with aspartic acid, which is acidic and polar, at codon 158 of the OPA1 protein (p.Ser158Asp).

NM_130837.3(OPA1):c.472_473delinsGA (p.Ser158Asp)

Gene: OPA1 (OPA1 mitochondrial dynamin like GTPase; plus strand). Cytogenetic location: 3q29.
Variant type: Indel.
Coding change: c.472_473delinsGA on transcript NM_130837.3 (MANE Select); coding-DNA positions 472 to 473, AG replaced by GA.
Protein change: p.Ser158Asp; replaces serine 158 with aspartic acid.
Molecular consequence: missense variant. On other transcripts: intron variant (5).
Genome position (GRCh38, 1-based): chr3:193,617,201-193,617,202, AG replaced by GA. VCF-style: chr3-193617201-AG-GA. GRCh37 (hg19) VCF-style: chr3-193334990-AG-GA.
Other names: c.472_473delinsGA, p.Ser158Asp (NM_015560.3, NM_130834.3, NM_130836.3); c.76+1431_76+1432delinsGA (NM_001354663.2); c.449-583_449-582delinsGA (NM_130835.3, NM_130832.3); c.448+1431_448+1432delinsGA (NM_130833.3, NM_130831.3); c.100_101delinsGA, p.Ser34Asp (NM_001354664.2); short protein forms S34D, S158D.
Identifiers: ClinVar variation 2823582 (VCV002823582.3), dbSNP rs2474598617, ClinGen allele CA2739265863.